The following is an entry in ClinVar:

NM_004444.5(EPHB4):c.221G>A (p.Arg74His)

Gene: EPHB4 (EPH receptor B4; minus strand). Cytogenetic location: 7q22.1.
Variant type: single nucleotide variant.
Coding change: c.221G>A on transcript NM_004444.5 (MANE Select); coding-DNA position 221, G replaced by A.
Protein change: p.Arg74His; replaces arginine 74 with histidine.
Molecular consequence: missense variant.
Genome position (GRCh38, 1-based): chr7:100,823,834, C>T on the plus strand (G>A on the coding strand, the complement: EPHB4 is on the minus strand). VCF-style: chr7-100823834-C-T. GRCh37 (hg19) VCF-style: chr7-100421456-C-T.
Other names: short protein forms R74H.
Identifiers: ClinVar variation 3224276 (VCV003224276.3), dbSNP rs61735971, ClinGen allele CA4393371.

ClinVar aggregate classification (germline): Uncertain significance. Review status: criteria provided, multiple submitters, no conflicts (2 of 4 stars). 2 submissions from 2 submitters: Uncertain significance (2). Last evaluated 2026-10-17.

Conditions:
Cardiovascular phenotype. Identifiers: MedGen CN230736.

Allele frequency attached by ClinVar (database versions not stated): TOPMed below 0.00001; ExAC 0.00001; gnomAD 0.00001.

Submissions (2):

GeneDx
Classification: Uncertain significance. Last evaluated: 2026-10-17. Review status: criteria provided, single submitter. Criteria: GeneDx Variant Classification Process June 2021. Collection method: clinical testing. Allele origin: germline.
Comment: Not observed at significant frequency in large population cohorts (gnomAD); In silico analysis supports that this missense variant has a deleterious effect on protein structure/function; Has not been previously published as pathogenic or benign to our knowledge

Ambry Genetics
Classification: Uncertain significance for Cardiovascular phenotype. Last evaluated: 2023-12-10. Review status: criteria provided, single submitter. Criteria: Ambry Variant Classification Scheme 2023. Collection method: clinical testing. Allele origin: germline.
Comment: The p.R74H variant (also known as c.221G>A), located in coding exon 3 of the EPHB4 gene, results from a G to A substitution at nucleotide position 221. The arginine at codon 74 is replaced by histidine, an amino acid with highly similar properties. This amino acid position is conserved. In addition, the in silico prediction for this alteration is inconclusive. Since supporting evidence is limited at this time, the clinical significance of this alteration remains unclear.